The following is an entry in ClinVar:

ClinVar aggregate classification (germline): Pathogenic (1 of 4 stars; one submission).

Conditions:
BBS2-related ciliopathy. Identifiers: MedGen CN378634, MONDO:1040048.

Submission:

Myriad Genetics, Inc.
Classification: Pathogenic for BBS2-related ciliopathy. Last evaluated: 2025-07-24. Review status: criteria provided, single submitter. Criteria: Myriad Autosomal Dominant, Autosomal Recessive and X-Linked Classification Criteria (2023). Collection method: clinical testing. Allele origin: unknown.
Comment: NM_031885.3(BBS2):c.633dupC(M212Hfs*19) is expected to be pathogenic in the context of Bardet-Biedl syndrome, BBS2-related. This variant is predicted to lead to an abnormal or absent protein product due to the creation of a premature termination codon in BBS2, a gene where loss-of-function variants are known to be pathogenic. Please note: this variant was assessed in the context of healthy population screening.

NM_031885.5(BBS2):c.633dup (p.Met212fs)

Gene: BBS2 (Bardet-Biedl syndrome 2; minus strand). Cytogenetic location: 16q13.
Variant type: Duplication.
Coding change: c.633dup on transcript NM_031885.5 (MANE Select); coding-DNA position 633, one base duplicated (C; older notation c.633dupC).
Protein change: p.Met212fs; shifts the reading frame from methionine 212.
Molecular consequence: frameshift variant. On other transcripts: non-coding transcript variant (5).
Genome position (GRCh38, 1-based): chr16:56,506,204, G duplicated on the plus strand (C on the coding strand, the reverse complement: BBS2 is on the minus strand); the first of 3 consecutive G bases (chr16:56,506,204-56,506,206); duplicating any one gives the same sequence. VCF-style (leftmost placement, unchanged base first): chr16-56506203-T-TG. GRCh37 (hg19) VCF-style: chr16-56540115-T-TG.
Other names: c.633dup, p.Met212fs (NM_001377456.1); short protein forms M212fs.
Identifiers: ClinVar variation 5014772 (VCV005014772.1).